The following is an entry in ClinVar:

ClinVar aggregate classification (germline): Uncertain significance (1 of 4 stars; one submission).

Allele frequency attached by ClinVar (database versions not stated): gnomAD 0.00001.
gnomAD v4.1: 1 of 1,613,954 alleles (0.000062%); highest among the groups gnomAD compares: African/African-American, 0.0013%; no homozygotes.

Submission:

Labcorp Genetics (formerly Invitae), Labcorp
Classification: Uncertain significance. Last evaluated: 2022-07-17. Review status: criteria provided, single submitter. Criteria: Invitae Variant Classification Sherloc (09022015). Collection method: clinical testing. Allele origin: germline.
Comment: This sequence change replaces histidine, which is basic and polar, with glutamine, which is neutral and polar, at codon 2651 of the VCAN protein (p.His2651Gln). This variant is not present in population databases (gnomAD no frequency). This variant has not been reported in the literature in individuals affected with VCAN-related conditions. Algorithms developed to predict the effect of missense changes on protein structure and function output the following: SIFT: "Deleterious"; PolyPhen-2: "Benign"; Align-GVGD: "Class C0". The glutamine amino acid residue is found in multiple mammalian species, which suggests that this missense change does not adversely affect protein function. In summary, the available evidence is currently insufficient to determine the role of this variant in disease. Therefore, it has been classified as a Variant of Uncertain Significance.

NM_004385.5(VCAN):c.7953T>A (p.His2651Gln)

Genes: VCAN (versican; plus strand), VCAN-AS1 (VCAN antisense RNA 1; minus strand). Cytogenetic location: 5q14.3.
Variant type: single nucleotide variant.
Coding change: c.7953T>A on transcript NM_004385.5 (MANE Select); coding-DNA position 7953, T replaced by A.
Protein change: p.His2651Gln; replaces histidine 2651 with glutamine.
Molecular consequence: missense variant. On other transcripts: intron variant (2).
Genome position (GRCh38, 1-based): chr5:83,540,956, T>A. VCF-style: chr5-83540956-T-A. GRCh37 (hg19) VCF-style: chr5-82836775-T-A.
Other names: c.4992T>A, p.His1664Gln (NM_001164097.2); c.4004-4581T>A (NM_001164098.2); c.1043-4581T>A (NM_001126336.3); short protein forms H1664Q, H2651Q.
Identifiers: ClinVar variation 1954322 (VCV001954322.5), dbSNP rs1270163422, ClinGen allele CA360315873.